The following is an entry in ClinVar:

ClinVar aggregate classification (germline): Uncertain significance. Review status: criteria provided, single submitter (1 of 4 stars). 2 submissions from 2 submitters: Uncertain significance (1). 1 of the submissions does not count toward it. Last evaluated 2026-08-04.

Conditions:
Inborn genetic diseases. Identifiers: MedGen C0950123, MeSH D030342.
NLGN4X-related disorder. Also called: NLGN4X-related condition.

Allele frequency attached by ClinVar (database versions not stated): TOPMed 0.00002.
gnomAD v4.1: 8 of 1,211,037 alleles (0.00066%); highest among the groups gnomAD compares: Non-Finnish European, 0.00089%; no homozygotes.

Submissions (2):

Ambry Genetics
Classification: Uncertain significance for Inborn genetic diseases. Last evaluated: 2026-08-04. Review status: criteria provided, single submitter. Criteria: Ambry Variant Classification Scheme 2023. Collection method: clinical testing. Allele origin: germline.
Comment: The c.2416A>G (p.N806D) alteration is located in exon 6 (coding exon 5) of the NLGN4X gene. This alteration results from a A to G substitution at nucleotide position 2416, causing the asparagine (N) at amino acid position 806 to be replaced by an aspartic acid (D). Based on data from gnomAD, the G allele has an overall frequency of 0.001% (2/183483) total alleles studied. The highest observed frequency was 0.002% (2/81942) of European (non-Finnish) alleles. Based on insufficient or conflicting evidence, the clinical significance of this alteration remains unclear.

PreventionGenetics, part of Exact Sciences
Classification: Uncertain significance for NLGN4X-related condition. Last evaluated: 2023-10-31. Review status: no assertion criteria provided. Collection method: clinical testing. Allele origin: germline. Not counted in ClinVar's aggregate classification.
Comment: The NLGN4X c.2416A>G variant is predicted to result in the amino acid substitution p.Asn806Asp. To our knowledge, this variant has not been reported in the literature. This variant is reported in 0.0024% of alleles in individuals of European (Non-Finnish) descent in gnomAD. At this time, the clinical significance of this variant is uncertain due to the absence of conclusive functional and genetic evidence.

NM_181332.3(NLGN4X):c.2416A>G (p.Asn806Asp)

Gene: NLGN4X (neuroligin 4 X-linked; minus strand). Cytogenetic location: Xp22.32.
Variant type: single nucleotide variant.
Coding change: c.2416A>G on transcript NM_181332.3 (MANE Select); coding-DNA position 2416, A replaced by G.
Protein change: p.Asn806Asp; replaces asparagine 806 with aspartic acid.
Molecular consequence: missense variant.
Genome position (GRCh38, 1-based): chrX:5,892,852, T>C on the plus strand (A>G on the coding strand, the complement: NLGN4X is on the minus strand). VCF-style: chrX-5892852-T-C. GRCh37 (hg19) VCF-style: chrX-5810893-T-C.
Other names: c.2416A>G, p.Asn806Asp (NM_001282145.2, NM_001282146.2, NM_020742.4); c.2416A>G (NM_020742.2); short protein forms N806D.
Identifiers: ClinVar variation 3031651 (VCV003031651.3), dbSNP rs999173635, ClinGen allele CA326308985.